The following is an entry in ClinVar:

ClinVar aggregate classification (germline): Uncertain significance (1 of 4 stars; one submission).

Conditions:
Immunodeficiency 132A. Also called: Herpes simplex encephalitis, susceptibility to, 3. Identifiers: Orphanet 1930, MedGen C3553868, MONDO:0013920, OMIM 614849.

Allele frequency attached by ClinVar (database versions not stated): gnomAD exomes below 0.00001; ExAC 0.00001.
gnomAD v4.1: 2 of 1,613,250 alleles (0.00012%); highest among the groups gnomAD compares: East Asian, 0.0022%; no homozygotes.

Submission:

Labcorp Genetics (formerly Invitae), Labcorp
Classification: Uncertain significance for Immunodeficiency 132A. Last evaluated: 2025-11-17. Review status: criteria provided, single submitter. Criteria: Invitae Variant Classification Sherloc (09022015). Collection method: clinical testing. Allele origin: germline.
Comment: This sequence change replaces histidine, which is basic and polar, with tyrosine, which is neutral and polar, at codon 192 of the TRAF3 protein (p.His192Tyr). This variant is present in population databases (rs776609650, gnomAD 0.006%). This variant has not been reported in the literature in individuals affected with TRAF3-related conditions. ClinVar contains an entry for this variant (Variation ID: 2002835). An algorithm developed to predict the effect of missense changes on protein structure and function (PolyPhen-2) suggests that this variant is likely to be disruptive. In summary, the available evidence is currently insufficient to determine the role of this variant in disease. Therefore, it has been classified as a Variant of Uncertain Significance.

NM_145725.3(TRAF3):c.574C>T (p.His192Tyr)

Genes: TRAF3 (TNF receptor associated factor 3; plus strand), LOC126862065 (BRD4-independent group 4 enhancer GRCh37_chr14:103352003-103353202; plus strand). Cytogenetic location: 14q32.32.
Variant type: single nucleotide variant.
Coding change: c.574C>T on transcript NM_145725.3 (MANE Select); coding-DNA position 574, C replaced by T.
Protein change: p.His192Tyr; replaces histidine 192 with tyrosine.
Molecular consequence: missense variant. On other transcripts: intron variant (2).
Genome position (GRCh38, 1-based): chr14:102,886,192, C>T. VCF-style: chr14-102886192-C-T. GRCh37 (hg19) VCF-style: chr14-103352529-C-T.
Other names: c.574C>T, p.His192Tyr (NM_001385142.1, NM_003300.4, NM_145726.3); c.571-3368C>T (NM_001385143.1); c.570+9667C>T (NM_001199427.2); short protein forms H192Y.
Identifiers: ClinVar variation 2002835 (VCV002002835.4), dbSNP rs776609650, ClinGen allele CA7359307.